The following is an entry in ClinVar:

ClinVar aggregate classification (germline): Conflicting classifications of pathogenicity. Review status: criteria provided, conflicting classifications (1 of 4 stars). 2 submissions from 2 submitters: Likely pathogenic (1); Uncertain significance (1). Last evaluated 2022-07-05.

Conditions:
Infantile cerebellar-retinal degeneration (ICRD). Identifiers: Orphanet 313850, MedGen C3281192, MONDO:0013802, OMIM 614559.
Optic atrophy 9 (OPA9). Identifiers: MedGen C4225384, MONDO:0014571, OMIM 616289.
Isolated macular dystrophy. Identifiers: Orphanet 519302, MedGen C5681367, MONDO:0957048.

Submissions (2):

Labcorp Genetics (formerly Invitae), Labcorp
Classification: Uncertain significance. Last evaluated: 2022-07-05. Review status: criteria provided, single submitter. Criteria: Invitae Variant Classification Sherloc (09022015). Collection method: clinical testing. Allele origin: germline.
Comment: ClinVar contains an entry for this variant (Variation ID: 1354645). This variant has not been reported in the literature in individuals affected with ACO2-related conditions. This variant is not present in population databases (gnomAD no frequency). This sequence change replaces arginine, which is basic and polar, with tryptophan, which is neutral and slightly polar, at codon 312 of the ACO2 protein (p.Arg312Trp). Advanced modeling of protein sequence and biophysical properties (such as structural, functional, and spatial information, amino acid conservation, physicochemical variation, residue mobility, and thermodynamic stability) performed at Invitae indicates that this missense variant is expected to disrupt ACO2 protein function. In summary, the available evidence is currently insufficient to determine the role of this variant in disease. Therefore, it has been classified as a Variant of Uncertain Significance.

DBGen Ocular Genomics
Classification: Likely pathogenic for Isolated macular dystrophy. Last evaluated: 2021-01-01. Review status: criteria provided, single submitter. Criteria: ACMG Guidelines, 2015. Collection method: clinical testing. Allele origin: unknown. Inheritance: Autosomal dominant inheritance. Affected: yes.
Comment: Class 4 ACMG Guidelines, 2015

NM_001098.3(ACO2):c.934C>T (p.Arg312Trp)

Gene: ACO2 (aconitase 2; plus strand). Cytogenetic location: 22q13.2.
Variant type: single nucleotide variant.
Coding change: c.934C>T on transcript NM_001098.3 (MANE Select); coding-DNA position 934, C replaced by T.
Protein change: p.Arg312Trp; replaces arginine 312 with tryptophan.
Molecular consequence: missense variant.
Genome position (GRCh38, 1-based): chr22:41,517,625, C>T. VCF-style: chr22-41517625-C-T. GRCh37 (hg19) VCF-style: chr22-41913629-C-T.
Other names: c.934C>T (NM_001098.2); short protein forms R312W.
Identifiers: ClinVar variation 1354645 (VCV001354645.10), dbSNP rs2146127377, ClinGen allele CA411722195.